The following is an entry in ClinVar:

NM_000834.5(GRIN2B):c.1074G>A (p.Met358Ile)

Gene: GRIN2B (glutamate ionotropic receptor NMDA type subunit 2B; minus strand). Cytogenetic location: 12p13.1.
Variant type: single nucleotide variant.
Coding change: c.1074G>A on transcript NM_000834.5 (MANE Select); coding-DNA position 1074, G replaced by A.
Protein change: p.Met358Ile; replaces methionine 358 with isoleucine.
Molecular consequence: missense variant.
Genome position (GRCh38, 1-based): chr12:13,675,796, C>T on the plus strand (G>A on the coding strand, the complement: GRIN2B is on the minus strand). VCF-style: chr12-13675796-C-T. GRCh37 (hg19) VCF-style: chr12-13828730-C-T.
Other names: c.1074G>A, p.Met358Ile (NM_001413992.1); short protein forms M358I.
Identifiers: ClinVar variation 3758920 (VCV003758920.2).

ClinVar aggregate classification (germline): Uncertain significance (1 of 4 stars; one submission).

Conditions:
Developmental and epileptic encephalopathy, 27 (DEE27). Also called: Epileptic encephalopathy, early infantile, 27; GRIN2B-Related Neurodevelopmental Disorder. Identifiers: Orphanet 3451, MedGen C4015316, MONDO:0014505, OMIM 616139.
Intellectual developmental disorder, autosomal dominant 6, with or without seizures. Also called: Intellectual disability, autosomal dominant 6; GRIN2B-related developmental delay, intellectual disability and autism spectrum disorder. Identifiers: Orphanet 589547, MedGen C3151411, MONDO:0013509, OMIM 613970.

gnomAD v4.1: 2 of 1,611,622 alleles (0.00012%); highest among the groups gnomAD compares: Non-Finnish European, 0.00017%; no homozygotes.

Submission:

Labcorp Genetics (formerly Invitae), Labcorp
Classification: Uncertain significance for Developmental and epileptic encephalopathy, 27; Intellectual developmental disorder, autosomal dominant 6, with or without seizures. Last evaluated: 2025-01-30. Review status: criteria provided, single submitter. Criteria: Invitae Variant Classification Sherloc (09022015). Collection method: clinical testing. Allele origin: germline.
Comment: This sequence change replaces methionine, which is neutral and non-polar, with isoleucine, which is neutral and non-polar, at codon 358 of the GRIN2B protein (p.Met358Ile). This variant is not present in population databases (gnomAD no frequency). This variant has not been reported in the literature in individuals affected with GRIN2B-related conditions. Invitae Evidence Modeling of protein sequence and biophysical properties (such as structural, functional, and spatial information, amino acid conservation, physicochemical variation, residue mobility, and thermodynamic stability) indicates that this missense variant is not expected to disrupt GRIN2B protein function with a negative predictive value of 95%. In summary, the available evidence is currently insufficient to determine the role of this variant in disease. Therefore, it has been classified as a Variant of Uncertain Significance.